The following is an entry in ClinVar:

ClinVar aggregate classification (germline): Uncertain significance (1 of 4 stars; one submission).

gnomAD v4.1: 1 of 1,505,052 alleles (0.000066%); highest among the groups gnomAD compares: Non-Finnish European, 0.000088%; no homozygotes.

Submission:

Mayo Clinic Laboratories, Mayo Clinic
Classification: Uncertain significance. Last evaluated: 2024-09-18. Review status: criteria provided, single submitter. Criteria: ACMG Guidelines, 2015. Collection method: clinical testing. Allele origin: germline. Observed: 1 variant allele.
Comment: PM2

NM_005070.4(SLC4A3):c.2191+1G>T

Gene: SLC4A3 (solute carrier family 4 member 3; plus strand). Cytogenetic location: 2q35.
Variant type: single nucleotide variant.
Coding change: c.2191+1G>T on transcript NM_005070.4 (MANE Select); the canonical splice donor site of the intron after coding-DNA position 2191, G replaced by T.
Molecular consequence: splice donor variant.
Genome position (GRCh38, 1-based): chr2:219,635,892, G>T. VCF-style: chr2-219635892-G-T. GRCh37 (hg19) VCF-style: chr2-220500614-G-T.
Other names: c.2272+1G>T (NM_001326559.2, NM_201574.3).
Identifiers: ClinVar variation 3379431 (VCV003379431.1).